The following is an entry in ClinVar:

ClinVar aggregate classification (germline): Conflicting classifications of pathogenicity. Review status: criteria provided, conflicting classifications (1 of 4 stars). 4 submissions from 4 submitters: Uncertain significance (3); Likely benign (1). Last evaluated 2025-12-14.

Conditions:
Von Hippel-Lindau syndrome (VHLS). Also called: Von Hippel-Lindau; VHL syndrome; von Hippel–Lindau syndrome. Identifiers: Orphanet 892, MedGen C0019562, MONDO:0008667, OMIM 193300. Disease mechanism: loss of function.
Chuvash polycythemia. Also called: POLYCYTHEMIA, VHL-DEPENDENT. Identifiers: Orphanet 238557, MedGen C1837915, MONDO:0009892, OMIM 263400.
Hereditary cancer-predisposing syndrome. Also called: Hereditary neoplastic syndrome; Neoplastic Syndromes, Hereditary; Tumor predisposition; Hereditary Cancer Syndrome. Identifiers: Orphanet 140162, MedGen C0027672, MeSH D009386, MONDO:0015356.

Allele frequency attached by ClinVar (database versions not stated): gnomAD exomes below 0.00001; gnomAD 0.00001; TOPMed 0.00003; 1000 Genomes Project 30x 0.00016.
gnomAD v4.1: 5 of 1,535,034 alleles (0.00033%); highest among the groups gnomAD compares: African/African-American, 0.0069%; no homozygotes.

Submissions (4):

Labcorp Genetics (formerly Invitae), Labcorp
Classification: Uncertain significance for Von Hippel-Lindau syndrome; Chuvash polycythemia. Last evaluated: 2025-12-14. Review status: criteria provided, single submitter. Criteria: Invitae Variant Classification Sherloc (09022015). Collection method: clinical testing. Allele origin: germline.
Comment: This sequence change replaces glutamic acid, which is acidic and polar, with aspartic acid, which is acidic and polar, at codon 6 of the VHL protein (p.Glu6Asp). This variant is not present in population databases (gnomAD no frequency). This variant has not been reported in the literature in individuals affected with VHL-related conditions. ClinVar contains an entry for this variant (Variation ID: 411986). Invitae Evidence Modeling of protein sequence and biophysical properties (such as structural, functional, and spatial information, amino acid conservation, physicochemical variation, residue mobility, and thermodynamic stability) indicates that this missense variant is not expected to disrupt VHL protein function with a negative predictive value of 95%. In summary, the available evidence is currently insufficient to determine the role of this variant in disease. Therefore, it has been classified as a Variant of Uncertain Significance.

GeneDx
Classification: Uncertain significance. Last evaluated: 2024-07-29. Review status: criteria provided, single submitter. Criteria: GeneDx Variant Classification Process June 2021. Collection method: clinical testing. Allele origin: germline. Affected: yes.
Comment: Not observed at significant frequency in large population cohorts (gnomAD); In silico analysis indicates that this missense variant does not alter protein structure/function; Has not been previously published as pathogenic or benign to our knowledge

All of Us Research Program, National Institutes of Health
Classification: Uncertain significance for Von Hippel-Lindau syndrome. Last evaluated: 2024-03-05. Review status: criteria provided, single submitter. Criteria: ACMG Guidelines, 2015. Collection method: clinical testing. Allele origin: germline. Inheritance: Autosomal dominant inheritance. Observed: 1 variant allele, 1 heterozygote.
Comment: This study involves interpretation of variants in research participants for the purpose of population health screening. Participant phenotype was not available at the time of variant classification. Additional details can be found in publication PMID: 35346344, PMCID: PMC8962531

Ambry Genetics
Classification: Likely benign for Hereditary cancer-predisposing syndrome. Last evaluated: 2023-11-02. Review status: criteria provided, single submitter. Criteria: Ambry Variant Classification Scheme 2023. Collection method: clinical testing. Allele origin: germline.

NM_000551.4(VHL):c.18G>T (p.Glu6Asp)

Gene: VHL (von Hippel-Lindau tumor suppressor; plus strand). Cytogenetic location: 3p25.3.
Variant type: single nucleotide variant.
Coding change: c.18G>T on transcript NM_000551.4 (MANE Select); coding-DNA position 18, G replaced by T.
Protein change: p.Glu6Asp; replaces glutamic acid 6 with aspartic acid.
Molecular consequence: missense variant.
Genome position (GRCh38, 1-based): chr3:10,141,865, G>T. VCF-style: chr3-10141865-G-T. GRCh37 (hg19) VCF-style: chr3-10183549-G-T.
Other names: c.18G>T, p.Glu6Asp (NM_001354723.2, NM_198156.3); short protein forms E6D.
Identifiers: ClinVar variation 411986 (VCV000411986.11), dbSNP rs1004620245, ClinGen allele CA16611153.